The following is an entry in ClinVar:

NM_182758.4(WDR72):c.*3423A>C

Gene: WDR72 (WD repeat domain 72; minus strand). Cytogenetic location: 15q21.3.
Variant type: single nucleotide variant.
Coding change: c.*3423A>C on transcript NM_182758.4 (MANE Select); 3423 bases downstream of the stop codon, A replaced by C.
Molecular consequence: 3 prime UTR variant. On other transcripts: non-coding transcript variant (3).
Genome position (GRCh38, 1-based): chr15:53,514,276, T>G on the plus strand (A>C on the coding strand, the complement: WDR72 is on the minus strand). VCF-style: chr15-53514276-T-G. GRCh37 (hg19) VCF-style: chr15-53806473-T-G.
Other names: c.*3423A>C (NM_001277176.2).
Identifiers: ClinVar variation 316496 (VCV000316496.5), dbSNP rs74015386, ClinGen allele CA10642154.
Genomic context (GRCh38, chr15:53,514,276, plus strand): 5'-ACTTTACATATAAGACAACATTTTGTGGAGAATAAAGGAGTCTATAACACCGCTTTTATA[T>G]AACTGAGCAATCAAAATGTATGAATATAAAATTTAAAAAATTGAATGAGTCCACTCTGTG-3'

ClinVar aggregate classification (germline): Benign (1 of 4 stars; one submission).

Conditions:
Amelogenesis imperfecta hypomaturation type 2A3. Also called: Amelogenesis imperfecta, type IIA3. Identifiers: Orphanet 88661, MedGen C2750771, MONDO:0013181, OMIM 613211. Disease mechanism: loss of function.

Allele frequency attached by ClinVar (database versions not stated): TOPMed 0.01754; 1000 Genomes Project 0.02017; 1000 Genomes Project 30x 0.02171.

Submission:

Illumina Laboratory Services, Illumina
Classification: Benign for Amelogenesis imperfecta hypomaturation type 2A3. Last evaluated: 2018-01-13. Review status: criteria provided, single submitter. Criteria: ICSL Variant Classification Criteria 13 December 2019. Collection method: clinical testing. Allele origin: germline.
Comment: This variant was observed in the ICSL laboratory as part of a predisposition screen in an ostensibly healthy population. It had not been previously curated by ICSL or reported in the Human Gene Mutation Database (HGMD: prior to June 1st, 2018), and was therefore a candidate for classification through an automated scoring system. Utilizing variant allele frequency, disease prevalence and penetrance estimates, and inheritance mode, an automated score was calculated to assess if this variant is too frequent to cause the disease. Based on the score and internal cut-off values, a variant classified as benign is not then subjected to further curation. The score for this variant resulted in a classification of benign for this disease.